The following is an entry in ClinVar:

ClinVar aggregate classification (germline): Uncertain significance. Review status: criteria provided, multiple submitters, no conflicts (2 of 4 stars). 3 submissions from 3 submitters: Uncertain significance (3). Last evaluated 2025-09-19.

Conditions:
Inborn genetic diseases. Identifiers: MedGen C0950123, MeSH D030342.

Submissions (3):

Labcorp Genetics (formerly Invitae), Labcorp
Classification: Uncertain significance. Last evaluated: 2025-09-19. Review status: criteria provided, single submitter. Criteria: Invitae Variant Classification Sherloc (09022015). Collection method: clinical testing. Allele origin: germline.
Comment: This variant, c.1996_1997insAAGAGG, results in the insertion of 2 amino acid(s) of the NEFH protein (p.Lys665_Ala666insGluGlu), but otherwise preserves the integrity of the reading frame. This variant is not present in population databases (gnomAD no frequency). This variant has not been reported in the literature in individuals affected with NEFH-related conditions. ClinVar contains an entry for this variant (Variation ID: 1411499). Experimental studies and prediction algorithms are not available or were not evaluated, and the functional significance of this variant is currently unknown. In summary, the available evidence is currently insufficient to determine the role of this variant in disease. Therefore, it has been classified as a Variant of Uncertain Significance.

Blueprint Genetics
Classification: Uncertain significance. Last evaluated: 2024-06-10. Review status: criteria provided, single submitter. Criteria: ACMG Guidelines, 2015. Collection method: clinical testing. Allele origin: germline.

Ambry Genetics
Classification: Uncertain significance for Inborn genetic diseases. Last evaluated: 2019-10-23. Review status: criteria provided, single submitter. Criteria: Ambry Variant Classification Scheme 2023. Collection method: clinical testing. Allele origin: germline.
Comment: The c.1996_1997insAAGAGG variant (also known as p.K665_A666insEE), located in coding exon 4 of the NEFH gene, results from an in-frame AAGAGG insertion at nucleotide positions 1996 to 1997. This results in the insertion of two extra residues between codons 665 and 666. This alteration is predicted to be neutral by in silico analysis (Choi Y et al. PLoS ONE, 2012 Oct;7:e46688). Since supporting evidence is limited at this time, the clinical significance of this alteration remains unclear.

Literature cited by the submitters: PubMed 23056405 (cited by Ambry Genetics).

NM_021076.4(NEFH):c.1996_1997insAAGAGG (p.Lys665_Ala666insGluGlu)

Gene: NEFH (neurofilament heavy chain; plus strand). Cytogenetic location: 22q12.2.
Variant type: Insertion.
Coding change: c.1996_1997insAAGAGG on transcript NM_021076.4 (MANE Select); coding-DNA positions 1996 to 1997, AAGAGG inserted.
Protein change: p.Lys665_Ala666insGluGlu.
Molecular consequence: inframe insertion.
Genome position: GRCh38 VCF-style: chr22-29489633-A-AAGGAAG. GRCh37 (hg19) VCF-style: chr22-29885622-A-AAGGAAG.
Identifiers: ClinVar variation 1411499 (VCV001411499.9), dbSNP rs771458565, ClinGen allele CA10174321.